The following is an entry in ClinVar:

ClinVar aggregate classification (germline): Uncertain significance. Review status: criteria provided, multiple submitters, no conflicts (2 of 4 stars). 2 submissions from 2 submitters: Uncertain significance (2). Last evaluated 2024-07-20.

Conditions:
Hereditary cancer-predisposing syndrome. Also called: Hereditary neoplastic syndrome; Tumor predisposition; Hereditary Cancer Syndrome; Neoplastic Syndromes, Hereditary. Identifiers: Orphanet 140162, MedGen C0027672, MeSH D009386, MONDO:0015356.
POLD1-related polyposis and colorectal cancer syndrome (CRCS10). Also called: Colorectal cancer, susceptibility to, 10; Colorectal cancer 10; COLORECTAL CANCER, SUSCEPTIBILITY TO, ON CHROMOSOME 19q. Identifiers: Orphanet 220460, MedGen C2675481, MONDO:0012953, OMIM 612591.

Submissions (2):

Labcorp Genetics (formerly Invitae), Labcorp
Classification: Uncertain significance for POLD1-related polyposis and colorectal cancer syndrome. Last evaluated: 2024-07-20. Review status: criteria provided, single submitter. Criteria: Invitae Variant Classification Sherloc (09022015). Collection method: clinical testing. Allele origin: germline.
Comment: This sequence change replaces glutamic acid, which is acidic and polar, with alanine, which is neutral and non-polar, at codon 566 of the POLD1 protein (p.Glu566Ala). This variant is not present in population databases (gnomAD no frequency). This variant has not been reported in the literature in individuals affected with POLD1-related conditions. ClinVar contains an entry for this variant (Variation ID: 657334). Advanced modeling of protein sequence and biophysical properties (such as structural, functional, and spatial information, amino acid conservation, physicochemical variation, residue mobility, and thermodynamic stability) performed at Invitae indicates that this missense variant is not expected to disrupt POLD1 protein function with a negative predictive value of 80%. In summary, the available evidence is currently insufficient to determine the role of this variant in disease. Therefore, it has been classified as a Variant of Uncertain Significance.

Ambry Genetics
Classification: Uncertain significance for Hereditary cancer-predisposing syndrome. Last evaluated: 2024-03-28. Review status: criteria provided, single submitter. Criteria: Ambry Variant Classification Scheme 2023. Collection method: clinical testing. Allele origin: germline.
Comment: The p.E566A variant (also known as c.1697A>C), located in coding exon 13 of the POLD1 gene, results from an A to C substitution at nucleotide position 1697. The glutamic acid at codon 566 is replaced by alanine, an amino acid with dissimilar properties. This amino acid position is conserved. In addition, this alteration is predicted to be tolerated by in silico analysis. Based on the available evidence, the clinical significance of this alteration remains unclear.

NM_002691.4(POLD1):c.1697A>C (p.Glu566Ala)

Gene: POLD1 (DNA polymerase delta 1, catalytic subunit; plus strand). Cytogenetic location: 19q13.33.
Variant type: single nucleotide variant.
Coding change: c.1697A>C on transcript NM_002691.4 (MANE Select); coding-DNA position 1697, A replaced by C.
Protein change: p.Glu566Ala; replaces glutamic acid 566 with alanine.
Molecular consequence: missense variant. On other transcripts: non-coding transcript variant (1).
Genome position (GRCh38, 1-based): chr19:50,407,337, A>C. VCF-style: chr19-50407337-A-C. GRCh37 (hg19) VCF-style: chr19-50910594-A-C.
Other names: c.1697A>C, p.Glu566Ala (NM_001256849.1, NM_001308632.1); c.1697A>C (NM_002691.2); short protein forms E566A.
Identifiers: ClinVar variation 657334 (VCV000657334.9), dbSNP rs1601220963, ClinGen allele CA406981188.